The following is an entry in ClinVar:

NM_004369.4(COL6A3):c.6152C>T (p.Pro2051Leu)

Gene: COL6A3 (collagen type VI alpha 3 chain; minus strand). Cytogenetic location: 2q37.3.
Variant type: single nucleotide variant.
Coding change: c.6152C>T on transcript NM_004369.4 (MANE Select); coding-DNA position 6152, C replaced by T.
Protein change: p.Pro2051Leu; replaces proline 2051 with leucine.
Molecular consequence: missense variant.
Genome position (GRCh38, 1-based): chr2:237,361,743, G>A on the plus strand (C>T on the coding strand, the complement: COL6A3 is on the minus strand). VCF-style: chr2-237361743-G-A. GRCh37 (hg19) VCF-style: chr2-238270386-G-A.
Other names: c.4331C>T, p.Pro1444Leu (NM_057166.5); c.5534C>T, p.Pro1845Leu (NM_057167.4); short protein forms P1444L, P1845L, P2051L.
Identifiers: ClinVar variation 2627054 (VCV002627054.4), dbSNP rs771131277, ClinGen allele CA2188452.

ClinVar aggregate classification (germline): Uncertain significance. Review status: criteria provided, single submitter (1 of 4 stars). 2 submissions from 2 submitters: Uncertain significance (1). 1 of the submissions does not count toward it. Last evaluated 2023-06-06.

Conditions:
Bethlem myopathy 1A. Also called: MYOPATHY, BENIGN CONGENITAL, WITH CONTRACTURES; Bethlem Muscular Dystrophy; Bethlem myopathy 1. Identifiers: Orphanet 610, MedGen CN029274, MONDO:0024530, OMIM 158810.

Allele frequency attached by ClinVar (database versions not stated): gnomAD exomes below 0.00001; ExAC 0.00001.
gnomAD v4.1: 1 of 1,614,058 alleles (0.000062%); highest among the groups gnomAD compares: Non-Finnish European, 0.000085%; no homozygotes.

Submissions (2):

Labcorp Genetics (formerly Invitae), Labcorp
Classification: Uncertain significance for Bethlem myopathy 1A. Last evaluated: 2023-06-06. Review status: criteria provided, single submitter. Criteria: Invitae Variant Classification Sherloc (09022015). Collection method: clinical testing. Allele origin: germline.
Comment: In summary, the available evidence is currently insufficient to determine the role of this variant in disease. Therefore, it has been classified as a Variant of Uncertain Significance. Advanced modeling of protein sequence and biophysical properties (such as structural, functional, and spatial information, amino acid conservation, physicochemical variation, residue mobility, and thermodynamic stability) performed at Invitae indicates that this missense variant is not expected to disrupt COL6A3 protein function. This variant has not been reported in the literature in individuals affected with COL6A3-related conditions. This variant is present in population databases (rs771131277, gnomAD 0.0009%). This sequence change replaces proline, which is neutral and non-polar, with leucine, which is neutral and non-polar, at codon 2051 of the COL6A3 protein (p.Pro2051Leu).

Zotz-Klimas Genetics Lab, MVZ Zotz Klimas
Classification: Uncertain significance for Bethlem myopathy 1A. Last evaluated: 2023-10-30. Review status: no assertion criteria provided. Collection method: clinical testing. Allele origin: germline. Affected: yes. Not counted in ClinVar's aggregate classification.